The following is an entry in ClinVar:

NM_001080414.4(CCDC88C):c.5834del (p.Pro1945fs)

Gene: CCDC88C (coiled-coil and HOOK domain protein 88C; minus strand). Cytogenetic location: 14q32.11.
Variant type: Deletion.
Coding change: c.5834del on transcript NM_001080414.4 (MANE Select); coding-DNA position 5834, one base deleted (C; older notation c.5834delC).
Protein change: p.Pro1945fs; shifts the reading frame from proline 1945.
Molecular consequence: frameshift variant.
Genome position (GRCh38, 1-based): chr14:91,272,878, G deleted on the plus strand (C on the coding strand, the reverse complement: CCDC88C is on the minus strand); the first of 5 consecutive G bases (chr14:91,272,878-91,272,882); deleting any one gives the same sequence. VCF-style (leftmost placement, unchanged base first): chr14-91272877-TG-T. GRCh37 (hg19) VCF-style: chr14-91739221-TG-T.
Other names: short protein forms P1945fs.
Identifiers: ClinVar variation 2746211 (VCV002746211.3), dbSNP rs2544237822, ClinGen allele CA645594358.

ClinVar aggregate classification (germline): Pathogenic (1 of 4 stars; one submission).

Submission:

Labcorp Genetics (formerly Invitae), Labcorp
Classification: Pathogenic. Last evaluated: 2023-07-24. Review status: criteria provided, single submitter. Criteria: Invitae Variant Classification Sherloc (09022015). Collection method: clinical testing. Allele origin: germline.
Comment: This variant has not been reported in the literature in individuals affected with CCDC88C-related conditions. This sequence change results in a frameshift in the CCDC88C gene (p.Pro1945Hisfs*120). While this is not anticipated to result in nonsense mediated decay, it is expected to disrupt the last 84 amino acid(s) of the CCDC88C protein and extend the protein by 35 additional amino acid residues. This variant is not present in population databases (gnomAD no frequency). This variant disrupts a region of the CCDC88C protein in which other variant(s) (p.Glu1949Glyfs*26) have been determined to be pathogenic (PMID: 23042809). This suggests that this is a clinically significant region of the protein, and that variants that disrupt it are likely to be disease-causing. For these reasons, this variant has been classified as Pathogenic.

Literature cited by the submitters: PubMed 23042809.